The following is an entry in ClinVar:

NM_015512.5(DNAH1):c.4577A>C (p.Tyr1526Ser)

Gene: DNAH1 (dynein axonemal heavy chain 1; plus strand). Cytogenetic location: 3p21.1.
Variant type: single nucleotide variant.
Coding change: c.4577A>C on transcript NM_015512.5 (MANE Select); coding-DNA position 4577, A replaced by C.
Protein change: p.Tyr1526Ser; replaces tyrosine 1526 with serine.
Molecular consequence: missense variant.
Genome position (GRCh38, 1-based): chr3:52,360,316, A>C. VCF-style: chr3-52360316-A-C. GRCh37 (hg19) VCF-style: chr3-52394332-A-C.
Other names: short protein forms Y1526S.
Identifiers: ClinVar variation 1429451 (VCV001429451.8), dbSNP rs2153224324, ClinGen allele CA353131507.

ClinVar aggregate classification (germline): Uncertain significance (1 of 4 stars; one submission).

Conditions:
Spermatogenic failure 18. Identifiers: MedGen C4539783, MONDO:0054615, OMIM 617576.
Ciliary dyskinesia, primary, 37 (CILD37). Also called: CILIARY DYSKINESIA, PRIMARY, 37, WITH OR WITHOUT SITUS INVERSUS. Identifiers: MedGen C4539798, MONDO:0033204, OMIM 617577.

Submission:

Labcorp Genetics (formerly Invitae), Labcorp
Classification: Uncertain significance for Ciliary dyskinesia, primary, 37; Spermatogenic failure 18. Last evaluated: 2020-12-27. Review status: criteria provided, single submitter. Criteria: Invitae Variant Classification Sherloc (09022015). Collection method: clinical testing. Allele origin: germline.
Comment: In summary, the available evidence is currently insufficient to determine the role of this variant in disease. Therefore, it has been classified as a Variant of Uncertain Significance. Algorithms developed to predict the effect of missense changes on protein structure and function (SIFT, PolyPhen-2, Align-GVGD) all suggest that this variant is likely to be disruptive, but these predictions have not been confirmed by published functional studies and their clinical significance is uncertain. This variant has not been reported in the literature in individuals with DNAH1-related conditions. This variant is not present in population databases (ExAC no frequency). This sequence change replaces tyrosine with serine at codon 1526 of the DNAH1 protein (p.Tyr1526Ser). The tyrosine residue is highly conserved and there is a large physicochemical difference between tyrosine and serine.